The following is an entry in ClinVar:

NM_001035.3(RYR2):c.3187A>G (p.Asn1063Asp)

Gene: RYR2 (ryanodine receptor 2; plus strand). Cytogenetic location: 1q43.
Variant type: single nucleotide variant.
Coding change: c.3187A>G on transcript NM_001035.3 (MANE Select); coding-DNA position 3187, A replaced by G.
Protein change: p.Asn1063Asp; replaces asparagine 1063 with aspartic acid.
Molecular consequence: missense variant.
Genome position (GRCh38, 1-based): chr1:237,550,664, A>G. VCF-style: chr1-237550664-A-G. GRCh37 (hg19) VCF-style: chr1-237713964-A-G.
Other names: short protein forms N1063D.
Identifiers: ClinVar variation 4691979 (VCV004691979.1).

ClinVar aggregate classification (germline): Uncertain significance (1 of 4 stars; one submission).

Conditions:
Catecholaminergic polymorphic ventricular tachycardia 1. Also called: RYR2-Related Catecholaminergic Polymorphic Ventricular Tachycardia; VENTRICULAR TACHYCARDIA, STRESS-INDUCED POLYMORPHIC 1; VENTRICULAR TACHYCARDIA, CATECHOLAMINERGIC POLYMORPHIC, 1, WITH OR WITHOUT ATRIAL DYSFUNCTION AND/OR DILATED CARDIOMYOPATHY. Identifiers: Orphanet 3286, MedGen C1631597, MONDO:0011484, OMIM 604772.

Submission:

Labcorp Genetics (formerly Invitae), Labcorp
Classification: Uncertain significance for Catecholaminergic polymorphic ventricular tachycardia 1. Last evaluated: 2026-01-10. Review status: criteria provided, single submitter. Criteria: Invitae Variant Classification Sherloc (09022015). Collection method: clinical testing. Allele origin: germline.
Comment: This sequence change replaces asparagine, which is neutral and polar, with aspartic acid, which is acidic and polar, at codon 1063 of the RYR2 protein (p.Asn1063Asp). This variant is not present in population databases (gnomAD no frequency). This variant has not been reported in the literature in individuals affected with RYR2-related conditions. Invitae Evidence Modeling of protein sequence and biophysical properties (such as structural, functional, and spatial information, amino acid conservation, physicochemical variation, residue mobility, and thermodynamic stability) indicates that this missense variant is not expected to disrupt RYR2 protein function with a negative predictive value of 95%. In summary, the available evidence is currently insufficient to determine the role of this variant in disease. Therefore, it has been classified as a Variant of Uncertain Significance.